The following is an entry in ClinVar:

ClinVar aggregate classification (germline): Uncertain significance (1 of 4 stars; one submission).

Allele frequency attached by ClinVar (database versions not stated): gnomAD exomes 0.00001; TOPMed 0.00001; gnomAD 0.00001.
gnomAD v4.1: 6 of 1,613,726 alleles (0.00037%); highest among the groups gnomAD compares: Admixed American, 0.0033%; no homozygotes.

Submission:

Labcorp Genetics (formerly Invitae), Labcorp
Classification: Uncertain significance. Last evaluated: 2025-08-04. Review status: criteria provided, single submitter. Criteria: Invitae Variant Classification Sherloc (09022015). Collection method: clinical testing. Allele origin: germline.
Comment: This sequence change replaces asparagine, which is neutral and polar, with lysine, which is basic and polar, at codon 156 of the DNAJB11 protein (p.Asn156Lys). This variant is present in population databases (no rsID available, gnomAD 0.006%). This variant has not been reported in the literature in individuals affected with DNAJB11-related conditions. ClinVar contains an entry for this variant (Variation ID: 1954343). Invitae Evidence Modeling of protein sequence and biophysical properties (such as structural, functional, and spatial information, amino acid conservation, physicochemical variation, residue mobility, and thermodynamic stability) indicates that this missense variant is not expected to disrupt DNAJB11 protein function with a negative predictive value of 80%. In summary, the available evidence is currently insufficient to determine the role of this variant in disease. Therefore, it has been classified as a Variant of Uncertain Significance.

NM_016306.6(DNAJB11):c.468C>G (p.Asn156Lys)

Gene: DNAJB11 (DnaJ heat shock protein family (Hsp40) member B11; plus strand). Cytogenetic location: 3q27.3.
Variant type: single nucleotide variant.
Coding change: c.468C>G on transcript NM_016306.6 (MANE Select); coding-DNA position 468, C replaced by G.
Protein change: p.Asn156Lys; replaces asparagine 156 with lysine.
Molecular consequence: missense variant. On other transcripts: non-coding transcript variant (5), intron variant (1).
Genome position (GRCh38, 1-based): chr3:186,581,382, C>G. VCF-style: chr3-186581382-C-G. GRCh37 (hg19) VCF-style: chr3-186299171-C-G.
Other names: c.324-613C>G (NM_001378451.1); short protein forms N156K.
Identifiers: ClinVar variation 1954343 (VCV001954343.5), dbSNP rs1038766426, ClinGen allele CA89644967.